The following is an entry in ClinVar:

ClinVar aggregate classification (germline): Likely pathogenic (1 of 4 stars; one submission).

Conditions:
Autosomal recessive polycystic kidney disease (ARPKD). Also called: AR polycystic kidney disease. Identifiers: Orphanet 731, Orphanet 8378, MedGen C0085548, MeSH D017044, MONDO:0009889.

Submission:

Labcorp Genetics (formerly Invitae), Labcorp
Classification: Likely pathogenic for Autosomal recessive polycystic kidney disease. Last evaluated: 2023-10-22. Review status: criteria provided, single submitter. Criteria: Invitae Variant Classification Sherloc (09022015). Collection method: clinical testing. Allele origin: unknown.
Comment: This variant results in a copy number gain of the genomic region encompassing exon(s) 38 of the PKHD1 gene. While the exact position of this variant cannot be determined from the data, sub-genic copy number gains are generally in tandem (PMID: 25640679). This variant is predicted to be out-of-frame, and may result in an absent or disrupted protein product. Loss-of-function variants in PKHD1 are known to be pathogenic (PMID: 19940839). This variant has not been reported in the literature in individuals affected with PKHD1-related conditions. In summary, the currently available evidence indicates that the variant is pathogenic, but additional data are needed to prove that conclusively. Therefore, this variant has been classified as Likely Pathogenic.

Literature cited by the submitters: PubMed 25640679; PubMed 19940839.

NC_000006.11:g.(?_51777144)_(51777394_?)dup

Gene: PKHD1 (PKHD1 ciliary IPT domain containing fibrocystin/polyductin; minus strand). Cytogenetic location: 6p12.3.
Variant type: Duplication.
Identifiers: ClinVar variation 3245966 (VCV003245966.1).